The following is an entry in ClinVar:

ClinVar aggregate classification (germline): Uncertain significance. Review status: criteria provided, multiple submitters, no conflicts (2 of 4 stars). 2 submissions from 2 submitters: Uncertain significance (2). Last evaluated 2025-08-03.

Conditions:
COL2A1-related disorder. Also called: COL2A1-related condition; COL2A1-related disorders.

Submissions (2):

Labcorp Genetics (formerly Invitae), Labcorp
Classification: Uncertain significance. Last evaluated: 2025-08-03. Review status: criteria provided, single submitter. Criteria: Invitae Variant Classification Sherloc (09022015). Collection method: clinical testing. Allele origin: germline.
Comment: This sequence change replaces proline, which is neutral and non-polar, with arginine, which is basic and polar, at codon 794 of the COL2A1 protein (p.Pro794Arg). This variant is not present in population databases (gnomAD no frequency). This variant has not been reported in the literature in individuals affected with COL2A1-related conditions. ClinVar contains an entry for this variant (Variation ID: 2812314). Invitae Evidence Modeling of protein sequence and biophysical properties (such as structural, functional, and spatial information, amino acid conservation, physicochemical variation, residue mobility, and thermodynamic stability) has been performed for this missense variant. However, the output from this modeling did not meet the statistical confidence thresholds required to predict the impact of this variant on COL2A1 protein function. In summary, the available evidence is currently insufficient to determine the role of this variant in disease. Therefore, it has been classified as a Variant of Uncertain Significance.

3billion
Classification: Uncertain significance for COL2A1-related disorder. Last evaluated: 2025-02-04. Review status: criteria provided, single submitter. Criteria: ACMG Guidelines, 2015. Collection method: clinical testing. Allele origin: germline. Affected: yes.
Comment: The variant is not observed in the gnomAD v4.1.0 dataset. Predicted Consequence/Location: The variant is located in a mutational hot spot and/or well-established functional domain in which established pathogenic variants have been reported (PMID: 26626311). In silico tool predictions suggest damaging effect of the variant on gene or gene product [REVEL: 0.86 (>=0.6, sensitivity 0.68 and specificity 0.92); 3Cnet: 0.01 (>=0.6, sensitivity 0.72 and precision 0.9)]. The variant has been reported as of uncertain significance (ClinVar ID: VCV002812314). Different missense changes at the same codon have been reported as of uncertain significance (ClinVar ID: VCV001314788, VCV001383062, VCV001937068). Therefore, this variant is classified as VUS according to the recommendation of ACMG/AMP guideline.

NM_001844.5(COL2A1):c.2381C>G (p.Pro794Arg)

Gene: COL2A1 (collagen type II alpha 1 chain; minus strand). Cytogenetic location: 12q13.11.
Variant type: single nucleotide variant.
Coding change: c.2381C>G on transcript NM_001844.5 (MANE Select); coding-DNA position 2381, C replaced by G.
Protein change: p.Pro794Arg; replaces proline 794 with arginine.
Molecular consequence: missense variant.
Genome position (GRCh38, 1-based): chr12:47,981,804, G>C on the plus strand (C>G on the coding strand, the complement: COL2A1 is on the minus strand). VCF-style: chr12-47981804-G-C. GRCh37 (hg19) VCF-style: chr12-48375587-G-C.
Other names: c.2174C>G, p.Pro725Arg (NM_033150.3); short protein forms P794R, P725R.
Identifiers: ClinVar variation 2812314 (VCV002812314.4), dbSNP rs1170957923, ClinGen allele CA384545487.